The following is an entry in ClinVar:

ClinVar aggregate classification (germline): Likely benign (1 of 4 stars; one submission).

Allele frequency attached by ClinVar (database versions not stated): gnomAD exomes below 0.00001; ExAC 0.00001.
gnomAD v4.1: 1 of 1,614,014 alleles (0.000062%); highest among the groups gnomAD compares: South Asian, 0.0011%; no homozygotes.

Submission:

CeGaT Center for Human Genetics Tuebingen
Classification: Likely benign. Last evaluated: 2024-02-01. Review status: criteria provided, single submitter. Criteria: CeGaT Center For Human Genetics Tuebingen Variant Classification Criteria Version 2. Collection method: clinical testing. Allele origin: germline. Affected: yes. Observed: 1 variant allele.
Comment: NCKAP1L: BP4, BP7

NM_005337.5(NCKAP1L):c.3198C>T (p.Ser1066=)

Gene: NCKAP1L (NCK associated protein 1 like; plus strand). Cytogenetic location: 12q13.2.
Variant type: single nucleotide variant.
Coding change: c.3198C>T on transcript NM_005337.5 (MANE Select); coding-DNA position 3198, C replaced by T.
Protein change: p.Ser1066=; no amino-acid change (serine 1066 retained).
Molecular consequence: synonymous variant.
Genome position (GRCh38, 1-based): chr12:54,538,898, C>T. VCF-style: chr12-54538898-C-T. GRCh37 (hg19) VCF-style: chr12-54932682-C-T.
Other names: c.3048C>T, p.Ser1016= (NM_001184976.2).
Identifiers: ClinVar variation 3025857 (VCV003025857.22), dbSNP rs771136436, ClinGen allele CA6609661.